The following is an entry in ClinVar:

NM_025137.4(SPG11):c.6134_6135dup (p.Pro2046fs)

Gene: SPG11 (SPG11 vesicle trafficking associated, spatacsin; minus strand). Cytogenetic location: 15q21.1.
Variant type: Duplication.
Coding change: c.6134_6135dup on transcript NM_025137.4 (MANE Select); coding-DNA positions 6134 to 6135, 2 bases duplicated (AG; older notation c.6134_6135dupAG).
Protein change: p.Pro2046fs; shifts the reading frame from proline 2046.
Molecular consequence: frameshift variant. On other transcripts: intron variant (1).
Genome position (GRCh38, 1-based): chr15:44,573,617-44,573,618, CT duplicated on the plus strand (AG on the coding strand, the reverse complement: SPG11 is on the minus strand). VCF-style (leftmost placement, unchanged base first): chr15-44573616-G-GCT. GRCh37 (hg19) VCF-style: chr15-44865814-G-GCT.
Other names: c.5867-798_5867-797dup (NM_001160227.2); short protein forms P2046fs.
Identifiers: ClinVar variation 1460193 (VCV001460193.6), dbSNP rs2140928925, ClinGen allele CA2573150850.
Genomic context (GRCh38, chr15:44,573,616, plus strand): 5'-GTGATGAAGTAAGCAGCTCCCGTGTCACCTCTTCTGCCACGAGTTCAGCCACAGTATCTG[G>GCT]CTTAAGGCCCTGTGTGCTGATGAAGGCCTGGGCTCGTTTGCATCGGTCAGGCTGCTGAGA-3'

ClinVar aggregate classification (germline): Pathogenic (1 of 4 stars; one submission).

Conditions:
Hereditary spastic paraplegia 11. Also called: Spastic Paraplegia 11; Nakamura Osame syndrome; Autosomal recessive hereditary spastic paraplegia, mental impairment, and thin corpus callosum; SPASTIC PARAPLEGIA, AUTOSOMAL RECESSIVE, COMPLICATED, WITH THIN CORPUS CALLOSUM; SPASTIC PARAPLEGIA, AUTOSOMAL RECESSIVE, WITH MENTAL IMPAIRMENT AND THIN CORPUS CALLOSUM; Spastic paraplegia, mental retardation and thin corpus callosum. Identifiers: Orphanet 2822, MedGen C1858479, MONDO:0011445, OMIM 604360.

Submission:

Labcorp Genetics (formerly Invitae), Labcorp
Classification: Pathogenic for Hereditary spastic paraplegia 11. Last evaluated: 2022-10-17. Review status: criteria provided, single submitter. Criteria: Invitae Variant Classification Sherloc (09022015). Collection method: clinical testing. Allele origin: germline.
Comment: For these reasons, this variant has been classified as Pathogenic. ClinVar contains an entry for this variant (Variation ID: 1460193). This variant has not been reported in the literature in individuals affected with SPG11-related conditions. This variant is not present in population databases (gnomAD no frequency). This sequence change creates a premature translational stop signal (p.Pro2046Serfs*13) in the SPG11 gene. It is expected to result in an absent or disrupted protein product. Loss-of-function variants in SPG11 are known to be pathogenic (PMID: 19105190, 20110243, 22154821, 26556829).

Literature cited by the submitters: PubMed 19105190; PubMed 20110243; PubMed 22154821; PubMed 26556829.